The following is an entry in ClinVar:

ClinVar aggregate classification (germline): Uncertain significance (1 of 4 stars; one submission).

Conditions:
Hypertrophic cardiomyopathy 11. Also called: ACTC1-Related Familial Hypertrophic Cardiomyopathy. Identifiers: MedGen C2677506, MONDO:0012799, OMIM 612098.
Atrial septal defect 5 (ASD5). Identifiers: Orphanet 1478, MedGen C2748552, MONDO:0013011, OMIM 612794.
Dilated cardiomyopathy 1R (CMD1R). Identifiers: Orphanet 154, Orphanet 54260, MedGen C3150681, MONDO:0013261, OMIM 613424.

Submission:

Labcorp Genetics (formerly Invitae), Labcorp
Classification: Uncertain significance for Dilated cardiomyopathy 1R; Hypertrophic cardiomyopathy 11; Atrial septal defect 5. Last evaluated: 2024-07-08. Review status: criteria provided, single submitter. Criteria: Invitae Variant Classification Sherloc (09022015). Collection method: clinical testing. Allele origin: germline.
Comment: This sequence change falls in intron 5 of the ACTC1 gene. It does not directly change the encoded amino acid sequence of the ACTC1 protein. This variant is not present in population databases (gnomAD no frequency). This variant has not been reported in the literature in individuals affected with ACTC1-related conditions. Experimental studies and prediction algorithms are not available or were not evaluated, and the effect of this variant on mRNA splicing is currently unknown. In summary, the available evidence is currently insufficient to determine the role of this variant in disease. Therefore, it has been classified as a Variant of Uncertain Significance.

NM_005159.5(ACTC1):c.809-58TG[9]

Genes: ACTC1 (actin alpha cardiac muscle 1; minus strand), GJD2-DT (GJD2 divergent transcript; plus strand). Cytogenetic location: 15q14.
Variant type: Microsatellite.
Coding change: c.809-58TG[9] on transcript NM_005159.5 (MANE Select); nine copies in a row of the 2-base unit TG starting at c.809-58; the reference has 23 copies in a row; 14 copies, 28 bases deleted.
Molecular consequence: intron variant.
Genome position (GRCh38, 1-based): chr15:34,791,308-34,791,335, CACACACACACACACACACACACACACA deleted on the plus strand (TGTGTGTGTGTGTGTGTGTGTGTGTGTG on the coding strand, the reverse complement: ACTC1 is on the minus strand); deleting any 28 consecutive bases within chr15:34,791,308-34,791,353 gives the same sequence; the position shown is the placement nearest the transcript's 3' end. VCF-style (leftmost placement, unchanged base first): chr15-34791307-TCACACACACACACACACACACACACACA-T. GRCh37 (hg19) VCF-style: chr15-35083508-TCACACACACACACACACACACACACACA-T.
Other names: c.809-58TG[9] (NM_001406483.1, NM_001406482.1); c.368-58TG[9] (NM_001406485.1); c.674-58TG[9] (NM_001406484.1).
Identifiers: ClinVar variation 3747937 (VCV003747937.2).